The following is an entry in ClinVar:

ClinVar aggregate classification (germline): Likely benign (0 of 4 stars; one submission).

Conditions:
ARID5B-related disorder. Also called: ARID5B-related condition.

Submission:

PreventionGenetics, part of Exact Sciences
Classification: Likely benign for ARID5B-related condition. Last evaluated: 2024-09-27. Review status: no assertion criteria provided. Collection method: clinical testing. Allele origin: germline.
Comment: This variant is classified as likely benign based on ACMG/AMP sequence variant interpretation guidelines (Richards et al. 2015 PMID: 25741868, with internal and published modifications).

NM_032199.3(ARID5B):c.1102-4dup

Gene: ARID5B (AT-rich interaction domain 5B; plus strand). Cytogenetic location: 10q21.2.
Variant type: Duplication.
Coding change: c.1102-4dup on transcript NM_032199.3 (MANE Select); 4 bases into the intron before coding-DNA position 1102, one base duplicated (T; older notation c.1102-4dupT).
Molecular consequence: intron variant.
Genome position (GRCh38, 1-based): chr10:62,069,696, T duplicated; the last of 6 consecutive T bases (chr10:62,069,691-62,069,696); duplicating any one gives the same sequence. VCF-style (leftmost placement, unchanged base first): chr10-62069690-A-AT. GRCh37 (hg19) VCF-style: chr10-63829449-A-AT.
Other names: c.373-4dup (NM_001244638.2).
Identifiers: ClinVar variation 3356987 (VCV003356987.1).